The following is an entry in ClinVar:

ClinVar aggregate classification (germline): Uncertain significance. Review status: criteria provided, multiple submitters, no conflicts (2 of 4 stars). 2 submissions from 2 submitters: Uncertain significance (2). Last evaluated 2026-01-27.

Conditions:
Familial cold autoinflammatory syndrome 3 (FCAS3). Also called: ANTIBODY DEFICIENCY AND IMMUNE DYSREGULATION, PLCG2-ASSOCIATED; FAMILIAL ATYPICAL COLD URTICARIA. Identifiers: Orphanet 300359, MedGen C3280914, MONDO:0013766, OMIM 614468.

Submissions (2):

Labcorp Genetics (formerly Invitae), Labcorp
Classification: Uncertain significance for Familial cold autoinflammatory syndrome 3. Last evaluated: 2026-01-27. Review status: criteria provided, single submitter. Criteria: Invitae Variant Classification Sherloc (09022015). Collection method: clinical testing. Allele origin: germline.
Comment: This sequence change replaces arginine, which is basic and polar, with leucine, which is neutral and non-polar, at codon 461 of the PLCG2 protein (p.Arg461Leu). This variant is present in population databases (no rsID available, gnomAD 0.002%). This variant has not been reported in the literature in individuals affected with PLCG2-related conditions. ClinVar contains an entry for this variant (Variation ID: 646559). An algorithm developed to predict the effect of missense changes on protein structure and function (PolyPhen-2) suggests that this variant is likely to be tolerated. In summary, the available evidence is currently insufficient to determine the role of this variant in disease. Therefore, it has been classified as a Variant of Uncertain Significance.

GeneDx
Classification: Uncertain significance. Last evaluated: 2022-11-07. Review status: criteria provided, single submitter. Criteria: GeneDx Variant Classification Process June 2021. Collection method: clinical testing. Allele origin: germline. Affected: yes.
Comment: In silico analysis supports that this variant does not alter protein structure/function; Has not been previously published as pathogenic or benign to our knowledge

NM_002661.5(PLCG2):c.1381_1382delinsTT (p.Arg461Leu)

Gene: PLCG2 (phospholipase C gamma 2; plus strand). Cytogenetic location: 16q23.3.
Variant type: Indel.
Coding change: c.1381_1382delinsTT on transcript NM_002661.5 (MANE Select); coding-DNA positions 1381 to 1382, CG replaced by TT.
Protein change: p.Arg461Leu; replaces arginine 461 with leucine.
Molecular consequence: missense variant.
Genome position (GRCh38, 1-based): chr16:81,905,421-81,905,422, CG replaced by TT. VCF-style: chr16-81905421-CG-TT. GRCh37 (hg19) VCF-style: chr16-81939026-CG-TT.
Other names: c.1381_1382delCGinsTT (NM_002661.4); short protein forms R461L.
Identifiers: ClinVar variation 646559 (VCV000646559.10), dbSNP rs1597121708, ClinGen allele CA915949365.